The following is an entry in ClinVar:

NM_001378452.1(ITPR1):c.6440G>C (p.Gly2147Ala)

Gene: ITPR1 (inositol 1,4,5-trisphosphate receptor type 1; plus strand). Cytogenetic location: 3p26.1.
Variant type: single nucleotide variant.
Coding change: c.6440G>C on transcript NM_001378452.1 (MANE Select); coding-DNA position 6440, G replaced by C.
Protein change: p.Gly2147Ala; replaces glycine 2147 with alanine.
Molecular consequence: missense variant.
Genome position (GRCh38, 1-based): chr3:4,782,671, G>C. VCF-style: chr3-4782671-G-C. GRCh37 (hg19) VCF-style: chr3-4824355-G-C.
Other names: c.6296G>C, p.Gly2099Ala (NM_001099952.4); c.6395G>C, p.Gly2132Ala (NM_001168272.2); c.6251G>C, p.Gly2084Ala (NM_002222.7); c.6395G>C (NM_001168272.1); short protein forms G2084A, G2099A, G2132A, G2147A.
Identifiers: ClinVar variation 1254421 (VCV001254421.8), dbSNP rs371303646, ClinGen allele CA2232597.

ClinVar aggregate classification (germline): Uncertain significance. Review status: criteria provided, multiple submitters, no conflicts (2 of 4 stars). 3 submissions from 3 submitters: Uncertain significance (3). Last evaluated 2024-04-26.

Allele frequency attached by ClinVar (database versions not stated): gnomAD 0.00003 and 0.00004; ESP Exome Variant Server 0.00008; gnomAD exomes below 0.00001 and 0.00002; ExAC 0.00001; TOPMed 0.00002.
gnomAD v4.1: 33 of 1,604,830 alleles (0.0021%); highest among the groups gnomAD compares: African/African-American, 0.004%; no homozygotes.

Submissions (3):

Athena Diagnostics
Classification: Uncertain significance. Last evaluated: 2024-04-26. Review status: criteria provided, single submitter. Criteria: Athena Diagnostics Criteria. Collection method: clinical testing. Allele origin: unknown.
Comment: Available data are insufficient to determine the clinical significance of the variant at this time. The frequency of this variant in the general population is uninformative in assessment of its pathogenicity. Polyphen and MutationTaster predict this amino acid change may be benign.

Labcorp Genetics (formerly Invitae), Labcorp
Classification: Uncertain significance. Last evaluated: 2023-11-24. Review status: criteria provided, single submitter. Criteria: Invitae Variant Classification Sherloc (09022015). Collection method: clinical testing. Allele origin: germline.
Comment: This sequence change replaces glycine, which is neutral and non-polar, with alanine, which is neutral and non-polar, at codon 2084 of the ITPR1 protein (p.Gly2084Ala). This variant is present in population databases (rs371303646, gnomAD 0.008%). This variant has not been reported in the literature in individuals affected with ITPR1-related conditions. ClinVar contains an entry for this variant (Variation ID: 1254421). Advanced modeling of protein sequence and biophysical properties (such as structural, functional, and spatial information, amino acid conservation, physicochemical variation, residue mobility, and thermodynamic stability) performed at Invitae indicates that this missense variant is not expected to disrupt ITPR1 protein function with a negative predictive value of 95%. In summary, the available evidence is currently insufficient to determine the role of this variant in disease. Therefore, it has been classified as a Variant of Uncertain Significance.

GeneDx
Classification: Uncertain significance. Last evaluated: 2021-06-29. Review status: criteria provided, single submitter. Criteria: GeneDx Variant Classification Process June 2021. Collection method: clinical testing. Allele origin: germline. Affected: yes.
Comment: Has not been previously published as pathogenic or benign to our knowledge; In silico analysis supports that this missense variant does not alter protein structure/function; This variant is associated with the following publications: (PMID: 27535533)